The following is an entry in ClinVar:

NM_177986.5(DSG4):c.1316T>C (p.Ile439Thr)

Genes: DSG4 (desmoglein 4; plus strand), DSG1-AS1 (DSG1 antisense RNA 1; minus strand). Cytogenetic location: 18q12.1.
Variant type: single nucleotide variant.
Coding change: c.1316T>C on transcript NM_177986.5 (MANE Select); coding-DNA position 1316, T replaced by C.
Protein change: p.Ile439Thr; replaces isoleucine 439 with threonine.
Molecular consequence: missense variant.
Genome position (GRCh38, 1-based): chr18:31,400,919, T>C. VCF-style: chr18-31400919-T-C. GRCh37 (hg19) VCF-style: chr18-28980882-T-C.
Other names: c.1316T>C, p.Ile439Thr (NM_001134453.3); short protein forms I439T.
Identifiers: ClinVar variation 326433 (VCV000326433.14), dbSNP rs113255372, ClinGen allele CA8926981.

ClinVar aggregate classification (germline): Benign/Likely benign. Review status: criteria provided, multiple submitters, no conflicts (2 of 4 stars). 3 submissions from 3 submitters: Benign (2); Likely benign (1). Last evaluated 2026-01-28.

Conditions:
Hypotrichosis 6 (HYPT6). Also called: HYPOTRICHOSIS, LOCALIZED, AUTOSOMAL RECESSIVE 1; MONILETHRIX-LIKE HYPOTRICHOSIS. Identifiers: Orphanet 55654, MedGen C1842839, MONDO:0011932, OMIM 607903.

Allele frequency attached by ClinVar (database versions not stated): gnomAD exomes 0.00060 and 0.00141; ExAC 0.00172; 1000 Genomes Project 0.00639; gnomAD 0.00644 and 0.00691; TOPMed 0.00671; 1000 Genomes Project 30x 0.00781; ESP Exome Variant Server 0.00802.
gnomAD v4.1: 1,896 of 1,612,648 alleles (0.12%); highest among the groups gnomAD compares: African/African-American, 2.3%; 16 homozygotes.

Submissions (3):

Labcorp Genetics (formerly Invitae), Labcorp
Classification: Benign. Last evaluated: 2026-01-28. Review status: criteria provided, single submitter. Criteria: Invitae Variant Classification Sherloc (09022015). Collection method: clinical testing. Allele origin: germline.

GeneDx
Classification: Benign. Last evaluated: 2020-02-17. Review status: criteria provided, single submitter. Criteria: GeneDx Variant Classification Process June 2021. Collection method: clinical testing. Allele origin: germline. Affected: yes.

Illumina Laboratory Services, Illumina
Classification: Likely benign for Hypotrichosis 6. Last evaluated: 2018-01-13. Review status: criteria provided, single submitter. Criteria: ICSL Variant Classification Criteria 13 December 2019. Collection method: clinical testing. Allele origin: germline.
Comment: This variant was observed in the ICSL laboratory as part of a predisposition screen in an ostensibly healthy population. It had not been previously curated by ICSL or reported in the Human Gene Mutation Database (HGMD: prior to June 1st, 2018), and was therefore a candidate for classification through an automated scoring system. Utilizing variant allele frequency, disease prevalence and penetrance estimates, and inheritance mode, an automated score was calculated to assess if this variant is too frequent to cause the disease. Based on the score and internal cut-off values, a variant classified as likely benign is not then subjected to further curation. The score for this variant resulted in a classification of likely benign for this disease.